The following is an entry in ClinVar:

NM_004304.5(ALK):c.709T>C (p.Ser237Pro)

Gene: ALK (ALK receptor tyrosine kinase; minus strand). Cytogenetic location: 2p23.2.
Variant type: single nucleotide variant.
Coding change: c.709T>C on transcript NM_004304.5 (MANE Select); coding-DNA position 709, T replaced by C.
Protein change: p.Ser237Pro; replaces serine 237 with proline.
Molecular consequence: missense variant.
Genome position (GRCh38, 1-based): chr2:29,717,656, A>G on the plus strand (T>C on the coding strand, the complement: ALK is on the minus strand). VCF-style: chr2-29717656-A-G. GRCh37 (hg19) VCF-style: chr2-29940522-A-G.
Other names: short protein forms S237P.
Identifiers: ClinVar variation 862027 (VCV000862027.13), dbSNP rs757916299, ClinGen allele CA1594889.

ClinVar aggregate classification (germline): Conflicting classifications of pathogenicity. Review status: criteria provided, conflicting classifications (1 of 4 stars). 3 submissions from 3 submitters: Uncertain significance (2); Likely benign (1). Last evaluated 2026-02-02.

Conditions:
Hereditary cancer-predisposing syndrome. Also called: Tumor predisposition; Hereditary Cancer Syndrome; Neoplastic Syndromes, Hereditary; Hereditary neoplastic syndrome. Identifiers: Orphanet 140162, MedGen C0027672, MeSH D009386, MONDO:0015356.
Neuroblastoma, susceptibility to, 3. Also called: ALK-Related Neuroblastic Tumor Susceptibility. Identifiers: Orphanet 635, MedGen C2751681, MONDO:0013083, OMIM 613014.

Allele frequency attached by ClinVar (database versions not stated): gnomAD exomes 0.00001; TOPMed 0.00001; ExAC 0.00002.

Submissions (3):

Labcorp Genetics (formerly Invitae), Labcorp
Classification: Uncertain significance for Neuroblastoma, susceptibility to, 3. Last evaluated: 2026-02-02. Review status: criteria provided, single submitter. Criteria: Invitae Variant Classification Sherloc (09022015). Collection method: clinical testing. Allele origin: germline.
Comment: This sequence change replaces serine, which is neutral and polar, with proline, which is neutral and non-polar, at codon 237 of the ALK protein (p.Ser237Pro). This variant is present in population databases (rs757916299, gnomAD 0.02%). This variant has not been reported in the literature in individuals affected with ALK-related conditions. ClinVar contains an entry for this variant (Variation ID: 862027). An algorithm developed to predict the effect of missense changes on protein structure and function outputs the following: PolyPhen-2: "Benign". The proline amino acid residue is found in multiple mammalian species, which suggests that this missense change does not adversely affect protein function. In summary, the available evidence is currently insufficient to determine the role of this variant in disease. Therefore, it has been classified as a Variant of Uncertain Significance.

Ambry Genetics
Classification: Likely benign for Hereditary cancer-predisposing syndrome. Last evaluated: 2022-03-02. Review status: criteria provided, single submitter. Criteria: Ambry Variant Classification Scheme 2023. Collection method: clinical testing. Allele origin: germline.

Sema4
Classification: Uncertain significance for Hereditary cancer-predisposing syndrome. Last evaluated: 2021-09-30. Review status: criteria provided, single submitter. Criteria: Sema4 Curation Guidelines. Collection method: curation. Allele origin: germline.
Comment: The ALK c.709T>C (p.S237P) variant has been reported in heterozygosity in at least one individual with gastric cancer (PMID: 30989433). It was observed in 3/18388 chromosomes of the East Asian subpopulation in the large and broad cohorts of the Genome Aggregation Database (PMID: 32461654). This variant has been reported in ClinVar (Variation ID: 862027). This variant involves a non-conserved amino acid residue, and proline is found in multiple mammalian species, suggesting that this change might be tolerated. In silico tools suggest the impact of the variant on protein function is benign, though these predictions have not been confirmed by functional studies. The evidence is insufficient to meet ACMG/AMP criteria for classifying the variant as benign or pathogenic. Thus, the clinical significance of this variant is currently uncertain.

Literature cited by the submitters: PubMed 30989433 (cited by Sema4).